The following is an entry in ClinVar:

ClinVar aggregate classification (germline): Uncertain significance (1 of 4 stars; one submission).

gnomAD v4.1: 8 of 1,613,998 alleles (0.0005%); highest among the groups gnomAD compares: African/African-American, 0.0053%; no homozygotes.

Submission:

CeGaT Center for Human Genetics Tuebingen
Classification: Uncertain significance. Last evaluated: 2026-05-01. Review status: criteria provided, single submitter. Criteria: CeGaT Center For Human Genetics Tuebingen Variant Classification Criteria Version 2. Collection method: clinical testing. Allele origin: germline. Affected: yes. Observed: 2 variant alleles.
Comment: SYNE1: PM2, BP4

NM_182961.4(SYNE1):c.26203C>T (p.Arg8735Trp)

Genes: ESR1 (estrogen receptor 1; plus strand), SYNE1 (spectrin repeat containing nuclear envelope protein 1; minus strand). Cytogenetic location: 6q25.2.
Variant type: single nucleotide variant.
Coding change: c.26203C>T on transcript NM_182961.4 (MANE Select); coding-DNA position 26203, C replaced by T.
Protein change: p.Arg8735Trp; replaces arginine 8735 with tryptophan.
Molecular consequence: missense variant. On other transcripts: 3 prime UTR variant (1), intron variant (1).
Genome position (GRCh38, 1-based): chr6:152,122,627, G>A on the plus strand (C>T on the coding strand, the complement: SYNE1 is on the minus strand). VCF-style: chr6-152122627-G-A. GRCh37 (hg19) VCF-style: chr6-152443762-G-A.
Other names: c.*14C>T (NM_001347701.2); c.2737C>T, p.Arg913Trp (NM_001347702.2); c.26059C>T, p.Arg8687Trp (NM_033071.5); c.851-2639G>A (NM_001328100.2); short protein forms R8687W, R8735W, R913W.
Identifiers: ClinVar variation 3771784 (VCV003771784.13).
Genomic context (GRCh38, chr6:152,122,627, plus strand): 5'-GGAGAAGCTGAAGGGGAAGAGCTGCTCGGAGGACTCTGAACAGGAAGCCGCGGCCGGACC[G>A]ACCTGGCCCTGGCTCAGAAAGGGAGGAATCGGAGCCACCTTTTGTGGACCTGAGAGAAGA-3'
Protein context (NP_892006.3, residues 8725-8745): DSSLSEPGPG[Arg8735Trp]SGRGFLFRVL